The following is an entry in ClinVar:

NM_001044385.3(TMEM237):c.478G>A (p.Val160Met)

Gene: TMEM237 (transmembrane protein 237; minus strand). Cytogenetic location: 2q33.1.
Variant type: single nucleotide variant.
Coding change: c.478G>A on transcript NM_001044385.3 (MANE Select); coding-DNA position 478, G replaced by A.
Protein change: p.Val160Met; replaces valine 160 with methionine.
Molecular consequence: missense variant.
Genome position (GRCh38, 1-based): chr2:201,632,126, C>T on the plus strand (G>A on the coding strand, the complement: TMEM237 is on the minus strand). VCF-style: chr2-201632126-C-T. GRCh37 (hg19) VCF-style: chr2-202496849-C-T.
Other names: c.454G>A, p.Val152Met (NM_152388.4); short protein forms V160M, V152M.
Identifiers: ClinVar variation 1515080 (VCV001515080.8), dbSNP rs2105900253, ClinGen allele CA350313089.
Genomic context (GRCh38, chr2:201,632,126, plus strand): 5'-ATACTTTGCCTACAGGCTGGCTAATGCCAGTGGGTGCAGTGAATACAGACTGCTGTTCCA[C>T]AGTAGTTTGCTCATCAGTGATTATGTCTTCATCTTCTACTCCTAGCTCATTGGCATACTG-3'
Protein context (NP_001037850.1, residues 150-170): EDIITDEQTT[Val160Met]EQQSVFTAPT

ClinVar aggregate classification (germline): Uncertain significance (1 of 4 stars; one submission).

Conditions:
Joubert syndrome 14 (JBTS14). Identifiers: MedGen C3280766, MONDO:0013745, OMIM 614424.

Submission:

Labcorp Genetics (formerly Invitae), Labcorp
Classification: Uncertain significance for Joubert syndrome 14. Last evaluated: 2022-07-19. Review status: criteria provided, single submitter. Criteria: Invitae Variant Classification Sherloc (09022015). Collection method: clinical testing. Allele origin: germline.
Comment: In summary, the available evidence is currently insufficient to determine the role of this variant in disease. Therefore, it has been classified as a Variant of Uncertain Significance. Algorithms developed to predict the effect of missense changes on protein structure and function (SIFT, PolyPhen-2, Align-GVGD) all suggest that this variant is likely to be tolerated. ClinVar contains an entry for this variant (Variation ID: 1515080). This variant has not been reported in the literature in individuals affected with TMEM237-related conditions. This variant is not present in population databases (gnomAD no frequency). This sequence change replaces valine, which is neutral and non-polar, with methionine, which is neutral and non-polar, at codon 160 of the TMEM237 protein (p.Val160Met).